The following is an entry in ClinVar:

ClinVar aggregate classification (germline): Uncertain significance (1 of 4 stars; one submission).

Conditions:
Hereditary cancer-predisposing syndrome. Also called: Neoplastic Syndromes, Hereditary; Hereditary Cancer Syndrome; Hereditary neoplastic syndrome; Tumor predisposition. Identifiers: Orphanet 140162, MedGen C0027672, MeSH D009386, MONDO:0015356.

Submission:

Ambry Genetics
Classification: Uncertain significance for Hereditary cancer-predisposing syndrome. Last evaluated: 2023-04-27. Review status: criteria provided, single submitter. Criteria: Ambry Variant Classification Scheme 2023. Collection method: clinical testing. Allele origin: germline.
Comment: The p.I709M variant (also known as c.2127A>G), located in coding exon 14 of the NBN gene, results from an A to G substitution at nucleotide position 2127. The isoleucine at codon 709 is replaced by methionine, an amino acid with highly similar properties. This amino acid position is conserved. In addition, this alteration is predicted to be tolerated by in silico analysis. Since supporting evidence is limited at this time, the clinical significance of this alteration remains unclear.

NM_002485.5(NBN):c.2127A>G (p.Ile709Met)

Gene: NBN (nibrin; minus strand). Cytogenetic location: 8q21.3.
Variant type: single nucleotide variant.
Coding change: c.2127A>G on transcript NM_002485.5 (MANE Select); coding-DNA position 2127, A replaced by G.
Protein change: p.Ile709Met; replaces isoleucine 709 with methionine.
Molecular consequence: missense variant.
Genome position (GRCh38, 1-based): chr8:89,943,310, T>C on the plus strand (A>G on the coding strand, the complement: NBN is on the minus strand). VCF-style: chr8-89943310-T-C. GRCh37 (hg19) VCF-style: chr8-90955538-T-C.
Other names: c.1881A>G, p.Ile627Met (NM_001024688.3); short protein forms I709M, I627M.
Identifiers: ClinVar variation 2562305 (VCV002562305.2), dbSNP rs2488191368, ClinGen allele CA371675569.